The following is an entry in ClinVar:

NM_000552.5(VWF):c.7885del (p.Leu2629fs)

Gene: VWF (von Willebrand factor; minus strand). Cytogenetic location: 12p13.31.
Variant type: Deletion.
Coding change: c.7885del on transcript NM_000552.5 (MANE Select); coding-DNA position 7885, one base deleted (C; older notation c.7885delC).
Protein change: p.Leu2629fs; shifts the reading frame from leucine 2629.
Molecular consequence: frameshift variant.
Genome position (GRCh38, 1-based): chr12:5,967,488, G deleted on the plus strand (C on the coding strand, the reverse complement: VWF is on the minus strand); the first of 5 consecutive G bases (chr12:5,967,488-5,967,492); deleting any one gives the same sequence. VCF-style (leftmost placement, unchanged base first): chr12-5967487-AG-A. GRCh37 (hg19) VCF-style: chr12-6076653-AG-A.
Other names: short protein forms L2629fs.
Identifiers: ClinVar variation 4533025 (VCV004533025.1).

ClinVar aggregate classification (germline): Likely pathogenic (1 of 4 stars; one submission).

Submission:

Quest Diagnostics Nichols Institute San Juan Capistrano
Classification: Likely pathogenic. Last evaluated: 2025-03-22. Review status: criteria provided, single submitter. Criteria: Quest Diagnostics criteria. Collection method: clinical testing. Allele origin: unknown.
Comment: The VWF c.7885del (p.Leu2629Trpfs*25) variant has not been reported in individuals with VWF-related conditions in the published literature. It also has not been reported in large, multi-ethnic general populations (Genome Aggregation Database). Based on the available information, this variant is classified as likely pathogenic.